The following is an entry in ClinVar:

NM_182972.3(IRF2BP2):c.181C>T (p.Arg61Trp)

Gene: IRF2BP2 (interferon regulatory factor 2 binding protein 2; minus strand). Cytogenetic location: 1q42.3.
Variant type: single nucleotide variant.
Coding change: c.181C>T on transcript NM_182972.3 (MANE Select); coding-DNA position 181, C replaced by T.
Protein change: p.Arg61Trp; replaces arginine 61 with tryptophan.
Molecular consequence: missense variant.
Genome position (GRCh38, 1-based): chr1:234,609,314, G>A on the plus strand (C>T on the coding strand, the complement: IRF2BP2 is on the minus strand). VCF-style: chr1-234609314-G-A. GRCh37 (hg19) VCF-style: chr1-234745060-G-A.
Other names: c.181C>T, p.Arg61Trp (NM_001077397.1); short protein forms R61W.
Identifiers: ClinVar variation 2104548 (VCV002104548.4), dbSNP rs867044676, ClinGen allele CA39546941.

ClinVar aggregate classification (germline): Uncertain significance (1 of 4 stars; one submission).

Allele frequency attached by ClinVar (database versions not stated): gnomAD exomes below 0.00001; TOPMed below 0.00001; gnomAD 0.00001.

Submission:

Labcorp Genetics (formerly Invitae), Labcorp
Classification: Uncertain significance. Last evaluated: 2022-03-27. Review status: criteria provided, single submitter. Criteria: Invitae Variant Classification Sherloc (09022015). Collection method: clinical testing. Allele origin: germline.
Comment: The frequency data for this variant in the population databases is considered unreliable, as metrics indicate poor data quality at this position in the gnomAD database. This sequence change replaces arginine, which is basic and polar, with tryptophan, which is neutral and slightly polar, at codon 61 of the IRF2BP2 protein (p.Arg61Trp). This variant has not been reported in the literature in individuals affected with IRF2BP2-related conditions. In summary, the available evidence is currently insufficient to determine the role of this variant in disease. Therefore, it has been classified as a Variant of Uncertain Significance. Algorithms developed to predict the effect of missense changes on protein structure and function are either unavailable or do not agree on the potential impact of this missense change (SIFT: "Deleterious"; PolyPhen-2: "Probably Damaging"; Align-GVGD: "Class C0").